The following is an entry in ClinVar:

ClinVar aggregate classification (germline): Uncertain significance (1 of 4 stars; one submission).

Submission:

Laboratorio de Genetica e Diagnostico Molecular, Hospital Israelita Albert Einstein
Classification: Uncertain significance. Last evaluated: 2021-12-20. Review status: criteria provided, single submitter. Criteria: ACMG Guidelines, 2015. Collection method: clinical testing. Allele origin: germline. Affected: yes.
Comment: ACMG classification criteria: PM2, BP4

NM_015001.3(SPEN):c.2084A>G (p.Tyr695Cys)

Gene: SPEN (spen family transcriptional repressor; plus strand). Cytogenetic location: 1p36.13.
Variant type: single nucleotide variant.
Coding change: c.2084A>G on transcript NM_015001.3 (MANE Select); coding-DNA position 2084, A replaced by G.
Protein change: p.Tyr695Cys; replaces tyrosine 695 with cysteine.
Molecular consequence: missense variant.
Genome position (GRCh38, 1-based): chr1:15,928,324, A>G. VCF-style: chr1-15928324-A-G. GRCh37 (hg19) VCF-style: chr1-16254819-A-G.
Other names: short protein forms Y695C.
Identifiers: ClinVar variation 1690529 (VCV001690529.2), dbSNP rs2148737832, ClinGen allele CA338597887.